The following is an entry in ClinVar:

NM_015338.6(ASXL1):c.4097G>C (p.Ser1366Thr)

Gene: ASXL1 (ASXL transcriptional regulator 1; plus strand). Cytogenetic location: 20q11.21.
Variant type: single nucleotide variant.
Coding change: c.4097G>C on transcript NM_015338.6 (MANE Select); coding-DNA position 4097, G replaced by C.
Protein change: p.Ser1366Thr; replaces serine 1366 with threonine.
Molecular consequence: missense variant.
Genome position (GRCh38, 1-based): chr20:32,436,809, G>C. VCF-style: chr20-32436809-G-C. GRCh37 (hg19) VCF-style: chr20-31024612-G-C.
Other names: c.3914G>C, p.Ser1305Thr (NM_001363734.1); short protein forms S1305T, S1366T.
Identifiers: ClinVar variation 4158435 (VCV004158435.1).

ClinVar aggregate classification (germline): Uncertain significance (1 of 4 stars; one submission).

Conditions:
Inborn genetic diseases. Identifiers: MedGen C0950123, MeSH D030342.

Submission:

Ambry Genetics
Classification: Uncertain significance for Inborn genetic diseases. Last evaluated: 2025-07-29. Review status: criteria provided, single submitter. Criteria: Ambry Variant Classification Scheme 2023. Collection method: clinical testing. Allele origin: germline.
Comment: The p.S1366T variant (also known as c.4097G>C), located in coding exon 13 of the ASXL1 gene, results from a G to C substitution at nucleotide position 4097. The serine at codon 1366 is replaced by threonine, an amino acid with similar properties. This amino acid position is conserved. In addition, this alteration is predicted to be tolerated by in silico analysis. Based on the available evidence, the clinical significance of this variant remains unclear.